The following is an entry in ClinVar:

ClinVar aggregate classification (germline): Uncertain significance (1 of 4 stars; one submission).

Submission:

Labcorp Genetics (formerly Invitae), Labcorp
Classification: Uncertain significance. Last evaluated: 2024-04-17. Review status: criteria provided, single submitter. Criteria: Invitae Variant Classification Sherloc (09022015). Collection method: clinical testing. Allele origin: germline.
Comment: This sequence change replaces serine, which is neutral and polar, with asparagine, which is neutral and polar, at codon 398 of the FAM111A protein (p.Ser398Asn). This variant is not present in population databases (gnomAD no frequency). This variant has not been reported in the literature in individuals affected with FAM111A-related conditions. An algorithm developed to predict the effect of missense changes on protein structure and function (PolyPhen-2) suggests that this variant is likely to be disruptive. In summary, the available evidence is currently insufficient to determine the role of this variant in disease. Therefore, it has been classified as a Variant of Uncertain Significance.

NM_001312909.2(FAM111A):c.1193G>A (p.Ser398Asn)

Gene: FAM111A (FAM111 trypsin like peptidase A; plus strand). Cytogenetic location: 11q12.1.
Variant type: single nucleotide variant.
Coding change: c.1193G>A on transcript NM_001312909.2 (MANE Select); coding-DNA position 1193, G replaced by A.
Protein change: p.Ser398Asn; replaces serine 398 with asparagine.
Molecular consequence: missense variant.
Genome position (GRCh38, 1-based): chr11:59,152,861, G>A. VCF-style: chr11-59152861-G-A. GRCh37 (hg19) VCF-style: chr11-58920334-G-A.
Other names: c.1193G>A, p.Ser398Asn (NM_001374854.1, NM_001374855.1, NM_001374856.1 and 29 more transcripts); short protein forms S398N.
Identifiers: ClinVar variation 3668269 (VCV003668269.2).
Genomic context (GRCh38, chr11:59,152,861, plus strand): 5'-TGTTCATTTTAACTTGTCGGCATGTAATAGATAGCATTGTGGGAGACGGAATAGAGCCAA[G>A]TAAGTGGGCAACCATAATTGGTCAATGTGTAAGGGTGACATTTGGTTATGAAGAGCTAAA-3'
Protein context (NP_001299838.1, residues 388-408): DSIVGDGIEP[Ser398Asn]KWATIIGQCV